The following is an entry in ClinVar:

NM_152906.7(TANGO2):c.472G>A (p.Ala158Thr)

Gene: TANGO2 (transport and golgi organization 2 homolog; plus strand). Cytogenetic location: 22q11.21.
Variant type: single nucleotide variant.
Coding change: c.472G>A on transcript NM_152906.7 (MANE Select); coding-DNA position 472, G replaced by A.
Protein change: p.Ala158Thr; replaces alanine 158 with threonine.
Molecular consequence: missense variant. On other transcripts: intron variant (4), non-coding transcript variant (3).
Genome position (GRCh38, 1-based): chr22:20,061,550, G>A. VCF-style: chr22-20061550-G-A. GRCh37 (hg19) VCF-style: chr22-20049073-G-A.
Other names: c.370G>A, p.Ala124Thr (NM_001322146.2, NM_001322148.2, NM_001322160.2); c.409G>A, p.Ala137Thr (NM_001322147.2, NM_001322145.2); c.178G>A, p.Ala60Thr (NM_001322150.2, NM_001322153.2, NM_001322172.2 and 6 more transcripts); c.504-1788G>A (NM_001322149.2); c.266-1788G>A (NM_001283248.3); c.381-1788G>A (NM_001283199.3); c.575-2992G>A (NM_001283215.3); c.286G>A, p.Ala96Thr (NM_001322163.2, NM_001322166.2, NM_001322167.2 and 3 more transcripts); and 2 more; short protein forms A124T, A158T, A199T, A60T, A96T, A137T.
Identifiers: ClinVar variation 1491335 (VCV001491335.5), dbSNP rs751098098, ClinGen allele CA10106465.

ClinVar aggregate classification (germline): Uncertain significance (1 of 4 stars; one submission).

Allele frequency attached by ClinVar (database versions not stated): gnomAD exomes below 0.00001; TOPMed below 0.00001; ExAC 0.00001.
gnomAD v4.1: 1 of 1,606,556 alleles (0.000062%); highest among the groups gnomAD compares: Non-Finnish European, 0.000085%; no homozygotes.

Submission:

Labcorp Genetics (formerly Invitae), Labcorp
Classification: Uncertain significance. Last evaluated: 2022-08-04. Review status: criteria provided, single submitter. Criteria: Invitae Variant Classification Sherloc (09022015). Collection method: clinical testing. Allele origin: germline.
Comment: This sequence change replaces alanine, which is neutral and non-polar, with threonine, which is neutral and polar, at codon 158 of the TANGO2 protein (p.Ala158Thr). The frequency data for this variant in the population databases is considered unreliable, as metrics indicate poor data quality at this position in the gnomAD database. This variant has not been reported in the literature in individuals affected with TANGO2-related conditions. ClinVar contains an entry for this variant (Variation ID: 1491335). Algorithms developed to predict the effect of missense changes on protein structure and function are either unavailable or do not agree on the potential impact of this missense change (SIFT: "Not Available"; PolyPhen-2: "Benign"; Align-GVGD: "Not Available"). In summary, the available evidence is currently insufficient to determine the role of this variant in disease. Therefore, it has been classified as a Variant of Uncertain Significance.